The following is an entry in ClinVar:

ClinVar aggregate classification (germline): Conflicting classifications of pathogenicity. Review status: criteria provided, conflicting classifications (1 of 4 stars). 3 submissions from 3 submitters: Uncertain significance (1); Likely benign (1). 1 of the submissions does not count toward it. Last evaluated 2025-11-17.

Conditions:
Zellweger spectrum disorders (ZS). Also called: Zellweger Spectrum Disorder; Zellweger Spectrum; Zellweger Spectrum Disorder (ZSD); Zellweger syndrome. Identifiers: Orphanet 912, MedGen C0043459, MONDO:0019609.
PEX1-related disorder. Also called: PEX1-related condition.

Allele frequency attached by ClinVar (database versions not stated): gnomAD 0.00002 and 0.00003; TOPMed 0.00004; gnomAD exomes 0.00006 and 0.00008; ExAC 0.00007; 1000 Genomes Project 30x 0.00016; 1000 Genomes Project 0.00020.
gnomAD v4.1: 113 of 1,550,936 alleles (0.0073%); highest among the groups gnomAD compares: East Asian, 0.25%; 1 homozygote.

Submissions (3):

Labcorp Genetics (formerly Invitae), Labcorp
Classification: Likely benign for Zellweger spectrum disorders. Last evaluated: 2025-11-17. Review status: criteria provided, single submitter. Criteria: Invitae Variant Classification Sherloc (09022015). Collection method: clinical testing. Allele origin: germline.

Blueprint Genetics
Classification: Uncertain significance. Last evaluated: 2021-07-06. Review status: criteria provided, single submitter. Criteria: ACMG Guidelines, 2015. Collection method: clinical testing. Allele origin: germline.

PreventionGenetics, part of Exact Sciences
Classification: Uncertain significance for PEX1-related condition. Last evaluated: 2024-09-25. Review status: no assertion criteria provided. Collection method: clinical testing. Allele origin: germline. Not counted in ClinVar's aggregate classification.
Comment: The PEX1 c.1566G>C variant is predicted to result in the amino acid substitution p.Leu522Phe. To our knowledge, this variant has not been reported in the literature. This variant is reported in 0.076% of alleles in individuals of East Asian descent in gnomAD. Although we suspect that this variant may be benign, at this time, the clinical significance of this variant is uncertain due to the absence of conclusive functional and genetic evidence.

NM_000466.3(PEX1):c.1566G>C (p.Leu522Phe)

Gene: PEX1 (peroxisomal biogenesis factor 1; minus strand). Cytogenetic location: 7q21.2.
Variant type: single nucleotide variant.
Coding change: c.1566G>C on transcript NM_000466.3 (MANE Select); coding-DNA position 1566, G replaced by C.
Protein change: p.Leu522Phe; replaces leucine 522 with phenylalanine.
Molecular consequence: missense variant.
Genome position (GRCh38, 1-based): chr7:92,510,965, C>G on the plus strand (G>C on the coding strand, the complement: PEX1 is on the minus strand). VCF-style: chr7-92510965-C-G. GRCh37 (hg19) VCF-style: chr7-92140279-C-G.
Other names: c.1566G>C (NM_000466.2); c.1566G>C, p.Leu522Phe (NM_001282677.2); c.942G>C, p.Leu314Phe (NM_001282678.2); short protein forms L314F, L522F.
Identifiers: ClinVar variation 1575527 (VCV001575527.10), dbSNP rs145471560, ClinGen allele CA4341374.